The following is an entry in ClinVar:

NM_001077365.2(POMT1):c.559T>C (p.Trp187Arg)

Gene: POMT1 (protein O-mannosyltransferase 1; plus strand). Cytogenetic location: 9q34.13.
Variant type: single nucleotide variant.
Coding change: c.559T>C on transcript NM_001077365.2 (MANE Select); coding-DNA position 559, T replaced by C.
Protein change: p.Trp187Arg; replaces tryptophan 187 with arginine.
Molecular consequence: missense variant. On other transcripts: non-coding transcript variant (10).
Genome position (GRCh38, 1-based): chr9:131,509,762, T>C. VCF-style: chr9-131509762-T-C. GRCh37 (hg19) VCF-style: chr9-134385149-T-C.
Other names: p.Trp187Arg; c.559T>C (NM_007171.3); c.397T>C, p.Trp133Arg (NM_001077366.2, NM_001353194.2, NM_001353197.2 and 3 more transcripts); c.559T>C, p.Trp187Arg (NM_001136113.2, NM_001353193.2, NM_001374690.1 and 1 more transcripts); c.208T>C, p.Trp70Arg (NM_001136114.2, NM_001353195.2, NM_001353199.2 and 2 more transcripts); c.469T>C, p.Trp157Arg (NM_001353196.2); c.103T>C, p.Trp35Arg (NM_001353200.2, NM_001374695.1); short protein forms W133R, W70R, W157R, W35R, W187R.
Identifiers: ClinVar variation 1405803 (VCV001405803.9), dbSNP rs919881583, ClinGen allele CA200784064.

ClinVar aggregate classification (germline): Uncertain significance. Review status: criteria provided, multiple submitters, no conflicts (2 of 4 stars). 3 submissions from 3 submitters: Uncertain significance (3). Last evaluated 2025-09-10.

Conditions:
Inborn genetic diseases. Identifiers: MedGen C0950123, MeSH D030342.
Walker-Warburg congenital muscular dystrophy. Also called: Muscular dystrophy-dystroglycanopathy, type A; Walker-Warburg syndrome. Identifiers: Orphanet 899, MedGen C0265221, MONDO:0000171.
Autosomal recessive limb-girdle muscular dystrophy type 2K. Also called: MUSCULAR DYSTROPHY, LIMB-GIRDLE, TYPE 2K; MUSCULAR DYSTROPHY-DYSTROGLYCANOPATHY (LIMB-GIRDLE), TYPE C, 1. Identifiers: Orphanet 86812, MedGen C1836373, MONDO:0012248, OMIM 609308.
Muscular dystrophy-dystroglycanopathy (congenital with impaired intellectual development), type B, 1. Also called: MUSCULAR DYSTROPHY, CONGENITAL, POMT1-RELATED; Muscular dystrophy-dystroglycanopathy (congenital with intellectual disability), type B1. Identifiers: MedGen C5436962, MONDO:0013159, OMIM 613155.

Allele frequency attached by ClinVar (database versions not stated): gnomAD 0.00002; gnomAD exomes 0.00001; TOPMed 0.00002.

Submissions (3):

Mayo Clinic Laboratories, Mayo Clinic
Classification: Uncertain significance. Last evaluated: 2025-09-10. Review status: criteria provided, single submitter. Criteria: ACMG Guidelines, 2015. Collection method: clinical testing. Allele origin: germline. Observed: 1 variant allele.
Comment: PP3_moderate, PM2_supporting

Ambry Genetics
Classification: Uncertain significance for Inborn genetic diseases. Last evaluated: 2025-07-02. Review status: criteria provided, single submitter. Criteria: Ambry Variant Classification Scheme 2023. Collection method: clinical testing. Allele origin: germline.

Labcorp Genetics (formerly Invitae), Labcorp
Classification: Uncertain significance for Muscular dystrophy-dystroglycanopathy (congenital with impaired intellectual development), type B, 1; Walker-Warburg congenital muscular dystrophy; Autosomal recessive limb-girdle muscular dystrophy type 2K. Last evaluated: 2021-08-31. Review status: criteria provided, single submitter. Criteria: Invitae Variant Classification Sherloc (09022015). Collection method: clinical testing. Allele origin: germline.
Comment: This sequence change replaces tryptophan with arginine at codon 187 of the POMT1 protein (p.Trp187Arg). The tryptophan residue is moderately conserved and there is a moderate physicochemical difference between tryptophan and arginine. This variant is not present in population databases (ExAC no frequency). This variant has not been reported in the literature in individuals affected with POMT1-related conditions. Algorithms developed to predict the effect of missense changes on protein structure and function are either unavailable or do not agree on the potential impact of this missense change (SIFT: "Tolerated"; PolyPhen-2: "Probably Damaging"; Align-GVGD: "Class C0"). In summary, the available evidence is currently insufficient to determine the role of this variant in disease. Therefore, it has been classified as a Variant of Uncertain Significance.